The following is an entry in ClinVar:

NM_005263.5(GFI1):c.943A>G (p.Lys315Glu)

Gene: GFI1 (growth factor independent 1 transcriptional repressor; minus strand). Cytogenetic location: 1p22.1.
Variant type: single nucleotide variant.
Coding change: c.943A>G on transcript NM_005263.5 (MANE Select); coding-DNA position 943, A replaced by G.
Protein change: p.Lys315Glu; replaces lysine 315 with glutamic acid.
Molecular consequence: missense variant.
Genome position (GRCh38, 1-based): chr1:92,478,735, T>C on the plus strand (A>G on the coding strand, the complement: GFI1 is on the minus strand). VCF-style: chr1-92478735-T-C. GRCh37 (hg19) VCF-style: chr1-92944292-T-C.
Other names: c.943A>G, p.Lys315Glu (NM_001127215.3, NM_001127216.3); c.943A>G (NM_005263.3); short protein forms K315E.
Identifiers: ClinVar variation 1484041 (VCV001484041.9), dbSNP rs1432200639, ClinGen allele CA341148345.
Genomic context (GRCh38, chr1:92,478,735, plus strand): 5'-AGTGGATAAGCAGGTGTGTGGACAGTGTGGATGACCTCTTGAAGCTCTTCCCACAGATCT[T>C]ACAGTCAAAGCTCCGTTCCTGCAGAGAGAGAGAGAGAGAGAGAGAGAGAGAGAGAGAGAT-3'
Protein context (NP_005254.2, residues 305-325): VHSQERSFDC[Lys315Glu]ICGKSFKRSS

ClinVar aggregate classification (germline): Uncertain significance. Review status: criteria provided, multiple submitters, no conflicts (2 of 4 stars). 2 submissions from 2 submitters: Uncertain significance (2). Last evaluated 2026-03-04.

Conditions:
Neutropenia, severe congenital, 2, autosomal dominant. Identifiers: Orphanet 486, MedGen C2751288, MONDO:0013139, OMIM 613107.

Allele frequency attached by ClinVar (database versions not stated): gnomAD exomes below 0.00001.

Submissions (2):

Ambry Genetics
Classification: Uncertain significance. Last evaluated: 2026-03-04. Review status: criteria provided, single submitter. Criteria: Ambry Variant Classification Scheme 2023. Collection method: clinical testing. Allele origin: germline.
Comment: The p.K315E variant (also known as c.943A>G), located in coding exon 5 of the GFI1 gene, results from an A to G substitution at nucleotide position 943. The lysine at codon 315 is replaced by glutamic acid, an amino acid with similar properties. This amino acid position is conserved. In addition, this alteration is predicted to be tolerated by in silico analysis. Based on the available evidence, the clinical significance of this variant remains unclear.

Labcorp Genetics (formerly Invitae), Labcorp
Classification: Uncertain significance for Neutropenia, severe congenital, 2, autosomal dominant. Last evaluated: 2024-02-17. Review status: criteria provided, single submitter. Criteria: Invitae Variant Classification Sherloc (09022015). Collection method: clinical testing. Allele origin: germline.
Comment: This sequence change replaces lysine, which is basic and polar, with glutamic acid, which is acidic and polar, at codon 315 of the GFI1 protein (p.Lys315Glu). This variant is present in population databases (no rsID available, gnomAD 0.003%). This variant has not been reported in the literature in individuals affected with GFI1-related conditions. ClinVar contains an entry for this variant (Variation ID: 1484041). Advanced modeling of protein sequence and biophysical properties (such as structural, functional, and spatial information, amino acid conservation, physicochemical variation, residue mobility, and thermodynamic stability) performed at Invitae indicates that this missense variant is expected to disrupt GFI1 protein function with a positive predictive value of 80%. In summary, the available evidence is currently insufficient to determine the role of this variant in disease. Therefore, it has been classified as a Variant of Uncertain Significance.